The following is an entry in ClinVar:

NM_001447.3(FAT2):c.527A>G (p.Asp176Gly)

Gene: FAT2 (FAT atypical cadherin 2; minus strand). Cytogenetic location: 5q33.1.
Variant type: single nucleotide variant.
Coding change: c.527A>G on transcript NM_001447.3 (MANE Select); coding-DNA position 527, A replaced by G.
Protein change: p.Asp176Gly; replaces aspartic acid 176 with glycine.
Molecular consequence: missense variant.
Genome position (GRCh38, 1-based): chr5:151,568,405, T>C on the plus strand (A>G on the coding strand, the complement: FAT2 is on the minus strand). VCF-style: chr5-151568405-T-C. GRCh37 (hg19) VCF-style: chr5-150947966-T-C.
Other names: short protein forms D176G.
Identifiers: ClinVar variation 3640238 (VCV003640238.2).

ClinVar aggregate classification (germline): Uncertain significance (1 of 4 stars; one submission).

gnomAD v4.1: 2 of 1,614,084 alleles (0.00012%); highest among the groups gnomAD compares: Non-Finnish European, 0.00017%; no homozygotes.

Submission:

Labcorp Genetics (formerly Invitae), Labcorp
Classification: Uncertain significance. Last evaluated: 2024-02-14. Review status: criteria provided, single submitter. Criteria: Invitae Variant Classification Sherloc (09022015). Collection method: clinical testing. Allele origin: germline.
Comment: This sequence change replaces aspartic acid, which is acidic and polar, with glycine, which is neutral and non-polar, at codon 176 of the FAT2 protein (p.Asp176Gly). This variant is not present in population databases (gnomAD no frequency). This variant has not been reported in the literature in individuals affected with FAT2-related conditions. An algorithm developed to predict the effect of missense changes on protein structure and function (PolyPhen-2) suggests that this variant is likely to be disruptive. In summary, the available evidence is currently insufficient to determine the role of this variant in disease. Therefore, it has been classified as a Variant of Uncertain Significance.